The following is an entry in ClinVar:

ClinVar aggregate classification (germline): Pathogenic/Likely pathogenic. Review status: criteria provided, multiple submitters, no conflicts (2 of 4 stars). 2 submissions from 2 submitters: Pathogenic (1); Likely pathogenic (1). Last evaluated 2019-02-27.

Conditions:
Multiple endocrine neoplasia, type 1 (MEN1). Also called: Endocrine adenomatosis multiple; MEN 1; MEA I; MEN I; WERMER SYNDROME. Identifiers: Orphanet 652, MedGen C0025267, MeSH D018761, MONDO:0007540, OMIM 131100.

Submissions (2):

Labcorp Genetics (formerly Invitae), Labcorp
Classification: Pathogenic for Multiple endocrine neoplasia, type 1. Last evaluated: 2019-02-27. Review status: criteria provided, single submitter. Criteria: Invitae Variant Classification Sherloc (09022015). Collection method: clinical testing. Allele origin: germline.
Comment: This sequence change creates a premature translational stop signal (p.Ile85Tyrfs*32) in the MEN1 gene. It is expected to result in an absent or disrupted protein product. For these reasons, this variant has been classified as Pathogenic. Loss-of-function variants in MEN1 are known to be pathogenic (PMID: 12112656, 17853334). This variant has been reported in individuals in the Universal Mutation Database (PMID: 10612827). ClinVar contains an entry for this variant (Variation ID: 36528). This variant is not present in population databases (ExAC no frequency).

Women's Health and Genetics/Laboratory Corporation of America, LabCorp
Classification: Likely pathogenic for Multiple Endocrine Neoplasia Type 1. Last evaluated: 2011-08-18. Review status: criteria provided, single submitter. Criteria: LabCorp Variant Classification Summary - May 2015. Collection method: curation, clinical testing. Allele origin: germline. Inheritance: autosomal unknown. Affected: yes.
ClinVar note: Converted during submission from likely pathogenic to Likely pathogenic.

Literature cited by the submitters: PubMed 12112656 (cited by Labcorp Genetics (formerly Invitae), Labcorp); PubMed 17853334 (cited by Labcorp Genetics (formerly Invitae), Labcorp); PubMed 10612827 (cited by Labcorp Genetics (formerly Invitae), Labcorp).

NM_001370259.2(MEN1):c.252dup (p.Ile85fs)

Gene: MEN1 (menin 1; minus strand). Cytogenetic location: 11q13.1.
Variant type: Duplication.
Coding change: c.252dup on transcript NM_001370259.2 (MANE Select); coding-DNA position 252, one base duplicated (T; older notation c.252dupT).
Protein change: p.Ile85fs; shifts the reading frame from isoleucine 85.
Molecular consequence: frameshift variant.
Genome position (GRCh38, 1-based): chr11:64,809,858, A duplicated on the plus strand (T on the coding strand, the reverse complement: MEN1 is on the minus strand). VCF-style (leftmost placement, unchanged base first): chr11-64809857-T-TA. GRCh37 (hg19) VCF-style: chr11-64577329-T-TA.
Other names: c.252dupT (NM_000244.3); c.252dup, p.Ile85fs (NM_000244.4, NM_001370251.2, NM_001370260.2 and 9 more transcripts); short protein forms I85fs.
Identifiers: ClinVar variation 36528 (VCV000036528.13), dbSNP rs386134253, ClinGen allele CA260457.